The following is an entry in ClinVar:

NM_002016.2(FLG):c.7278C>T (p.Ser2426=)

Genes: CCDST (cervical cancer associated DHX9 suppressive transcript; plus strand), FLG (filaggrin; minus strand). Cytogenetic location: 1q21.3.
Variant type: single nucleotide variant.
Coding change: c.7278C>T on transcript NM_002016.2 (MANE Select); coding-DNA position 7278, C replaced by T.
Protein change: p.Ser2426=; no amino-acid change (serine 2426 retained).
Molecular consequence: synonymous variant.
Genome position (GRCh38, 1-based): chr1:152,307,608, G>A on the plus strand (C>T on the coding strand, the complement: FLG is on the minus strand). VCF-style: chr1-152307608-G-A. GRCh37 (hg19) VCF-style: chr1-152280084-G-A.
Identifiers: ClinVar variation 4534072 (VCV004534072.6).

ClinVar aggregate classification (germline): Likely benign (1 of 4 stars; one submission).

gnomAD v4.1: 371 of 1,613,018 alleles (0.023%); highest among the groups gnomAD compares: African/African-American, 0.029%; 1 homozygote.

Submission:

CeGaT Center for Human Genetics Tuebingen
Classification: Likely benign. Last evaluated: 2025-11-01. Review status: criteria provided, single submitter. Criteria: CeGaT Center For Human Genetics Tuebingen Variant Classification Criteria Version 2. Collection method: clinical testing. Allele origin: germline. Affected: yes. Observed: 1 variant allele.
Comment: FLG: BP4, BP7